The following is an entry in ClinVar:

NM_006914.4(RORB):c.398T>G (p.Leu133Arg)

Gene: RORB (RAR related orphan receptor B; plus strand). Cytogenetic location: 9q21.13.
Variant type: single nucleotide variant.
Coding change: c.398T>G on transcript NM_006914.4 (MANE Select); coding-DNA position 398, T replaced by G.
Protein change: p.Leu133Arg; replaces leucine 133 with arginine.
Molecular consequence: missense variant.
Genome position (GRCh38, 1-based): chr9:74,642,576, T>G. VCF-style: chr9-74642576-T-G. GRCh37 (hg19) VCF-style: chr9-77257492-T-G.
Other names: c.431T>G, p.Leu144Arg (NM_001365023.1); short protein forms L133R, L144R.
Identifiers: ClinVar variation 1445951 (VCV001445951.8), dbSNP rs1040181990, ClinGen allele CA373769773.

ClinVar aggregate classification (germline): Uncertain significance (1 of 4 stars; one submission).

Submission:

Labcorp Genetics (formerly Invitae), Labcorp
Classification: Uncertain significance. Last evaluated: 2022-12-06. Review status: criteria provided, single submitter. Criteria: Invitae Variant Classification Sherloc (09022015). Collection method: clinical testing. Allele origin: germline.
Comment: This sequence change replaces leucine, which is neutral and non-polar, with arginine, which is basic and polar, at codon 133 of the RORB protein (p.Leu133Arg). This variant is not present in population databases (gnomAD no frequency). This variant has not been reported in the literature in individuals affected with RORB-related conditions. ClinVar contains an entry for this variant (Variation ID: 1445951). Algorithms developed to predict the effect of missense changes on protein structure and function are either unavailable or do not agree on the potential impact of this missense change (SIFT: "Tolerated"; PolyPhen-2: "Possibly Damaging"; Align-GVGD: "Class C0"). In summary, the available evidence is currently insufficient to determine the role of this variant in disease. Therefore, it has been classified as a Variant of Uncertain Significance.